The following is an entry in ClinVar:

NM_001242896.3(DEPDC5):c.414-9T>G

Gene: DEPDC5 (DEP domain containing 5, GATOR1 subcomplex subunit; plus strand). Cytogenetic location: 22q12.2.
Variant type: single nucleotide variant.
Coding change: c.414-9T>G on transcript NM_001242896.3 (MANE Select); 9 bases into the intron before coding-DNA position 414, T replaced by G.
Molecular consequence: intron variant.
Genome position (GRCh38, 1-based): chr22:31,778,090, T>G. VCF-style: chr22-31778090-T-G. GRCh37 (hg19) VCF-style: chr22-32174076-T-G.
Other names: c.414-9T>G (NM_001364318.2, NM_001136029.4, NM_014662.6 and 7 more transcripts); c.330-9T>G (NM_001369902.1, NM_001369901.1).
Identifiers: ClinVar variation 451252 (VCV000451252.2), dbSNP rs1556556448, ClinGen allele CA658658920.

ClinVar aggregate classification (germline): Uncertain significance (1 of 4 stars; one submission).

Submission:

GeneDx
Classification: Uncertain significance. Last evaluated: 2018-11-08. Review status: criteria provided, single submitter. Criteria: GeneDx Variant Classification (06012015). Collection method: clinical testing. Allele origin: germline. Affected: yes.
Comment: The c.414-9T>G variant in the DEPDC5 gene has not been reported previously as a pathogenic variant nor as a benign variant, to our knowledge. This variant reduces the quality of the splice acceptor site in intron 7, and may cause abnormal gene splicing. The c.414-9T>G variant is not observed in large population cohorts (Lek et al., 2016; 1000 Genomes Consortium et al., 2015; Exome Variant Server). We interpret c.414-9T>G as a variant of uncertain significance.